The following is an entry in ClinVar:

ClinVar aggregate classification (germline): Uncertain significance (1 of 4 stars; one submission).

Conditions:
Gastrointestinal stromal tumor. Also called: Gastrointestinal stromal tumor, somatic; Gastrointestinal stroma tumor. Identifiers: Orphanet 44890, MedGen C0238198, MeSH D046152, MONDO:0011719, OMIM 606764, HP:0100723.

Submission:

Labcorp Genetics (formerly Invitae), Labcorp
Classification: Uncertain significance for Gastrointestinal stromal tumor. Last evaluated: 2025-04-17. Review status: criteria provided, single submitter. Criteria: Invitae Variant Classification Sherloc (09022015). Collection method: clinical testing. Allele origin: germline.
Comment: This sequence change replaces valine, which is neutral and non-polar, with glutamic acid, which is acidic and polar, at codon 69 of the PDGFRA protein (p.Val69Glu). This variant is not present in population databases (gnomAD no frequency). This variant has not been reported in the literature in individuals affected with PDGFRA-related conditions. ClinVar contains an entry for this variant (Variation ID: 965333). Invitae Evidence Modeling of protein sequence and biophysical properties (such as structural, functional, and spatial information, amino acid conservation, physicochemical variation, residue mobility, and thermodynamic stability) indicates that this missense variant is not expected to disrupt PDGFRA protein function with a negative predictive value of 80%. In summary, the available evidence is currently insufficient to determine the role of this variant in disease. Therefore, it has been classified as a Variant of Uncertain Significance.

NM_006206.6(PDGFRA):c.206T>A (p.Val69Glu)

Gene: PDGFRA (platelet derived growth factor receptor alpha; plus strand). Cytogenetic location: 4q12.
Variant type: single nucleotide variant.
Coding change: c.206T>A on transcript NM_006206.6 (MANE Select); coding-DNA position 206, T replaced by A.
Protein change: p.Val69Glu; replaces valine 69 with glutamic acid.
Molecular consequence: missense variant.
Genome position (GRCh38, 1-based): chr4:54,261,251, T>A. VCF-style: chr4-54261251-T-A. GRCh37 (hg19) VCF-style: chr4-55127418-T-A.
Other names: c.206T>A, p.Val69Glu (NM_001347827.2, NM_001347829.2); c.281T>A, p.Val94Glu (NM_001347828.2); c.245T>A, p.Val82Glu (NM_001347830.2); short protein forms V82E, V94E, V69E.
Identifiers: ClinVar variation 965333 (VCV000965333.10), dbSNP rs757101121, ClinGen allele CA356888489.
Genomic context (GRCh38, chr4:54,261,251, plus strand): 5'-GCTTTGGGGAGAGTGAAGTGAGCTGGCAGTACCCCATGTCTGAAGAAGAGAGCTCCGATG[T>A]GGAAATCAGAAATGAAGAAAACAACAGCGGCCTTTTTGTGACGGTCTTGGAAGTGAGCAG-3'
Protein context (NP_006197.1, residues 59-79): YPMSEEESSD[Val69Glu]EIRNEENNSG